The following is an entry in ClinVar:

ClinVar aggregate classification (germline): Uncertain significance. Review status: criteria provided, multiple submitters, no conflicts (2 of 4 stars). 2 submissions from 2 submitters: Uncertain significance (2). Last evaluated 2025-02-18.

Conditions:
Inborn genetic diseases. Identifiers: MedGen C0950123, MeSH D030342.
Kleefstra syndrome 1 (KLEFS1). Identifiers: Orphanet 261494, MedGen C0795833, MONDO:0027407, OMIM 610253.

Allele frequency attached by ClinVar (database versions not stated): ExAC 0.00001.
gnomAD v4.1: 9 of 1,614,102 alleles (0.00056%); highest among the groups gnomAD compares: Non-Finnish European, 0.00076%; no homozygotes.

Submissions (2):

Ambry Genetics
Classification: Uncertain significance for Inborn genetic diseases. Last evaluated: 2025-02-18. Review status: criteria provided, single submitter. Criteria: Ambry Variant Classification Scheme 2023. Collection method: clinical testing. Allele origin: germline.

Labcorp Genetics (formerly Invitae), Labcorp
Classification: Uncertain significance for Kleefstra syndrome 1. Last evaluated: 2019-04-28. Review status: criteria provided, single submitter. Criteria: Invitae Variant Classification Sherloc (09022015). Collection method: clinical testing. Allele origin: germline.
Comment: This sequence change replaces valine with leucine at codon 1140 of the EHMT1 protein (p.Val1140Leu). The valine residue is highly conserved and there is a small physicochemical difference between valine and leucine. This variant is present in population databases (rs770731320, ExAC 0.002%). This variant has not been reported in the literature in individuals with EHMT1-related conditions. Algorithms developed to predict the effect of missense changes on protein structure and function (SIFT, PolyPhen-2, Align-GVGD) all suggest that this variant is likely to be disruptive, but these predictions have not been confirmed by published functional studies and their clinical significance is uncertain. In summary, the available evidence is currently insufficient to determine the role of this variant in disease. Therefore, it has been classified as a Variant of Uncertain Significance.

NM_024757.5(EHMT1):c.3418G>T (p.Val1140Leu)

Gene: EHMT1 (euchromatic histone lysine methyltransferase 1; plus strand). Cytogenetic location: 9q34.3.
Variant type: single nucleotide variant.
Coding change: c.3418G>T on transcript NM_024757.5 (MANE Select); coding-DNA position 3418, G replaced by T.
Protein change: p.Val1140Leu; replaces valine 1140 with leucine.
Molecular consequence: missense variant.
Genome position (GRCh38, 1-based): chr9:137,817,482, G>T. VCF-style: chr9-137817482-G-T. GRCh37 (hg19) VCF-style: chr9-140711934-G-T.
Other names: c.3397G>T, p.Val1133Leu (NM_001354263.2); short protein forms V1133L, V1140L.
Identifiers: ClinVar variation 951891 (VCV000951891.11), dbSNP rs770731320, ClinGen allele CA5375306.